The following is an entry in ClinVar:

ClinVar aggregate classification (germline): Uncertain significance. Review status: criteria provided, multiple submitters, no conflicts (2 of 4 stars). 3 submissions from 3 submitters: Uncertain significance (3). Last evaluated 2024-05-14.

Conditions:
Malignant hyperthermia, susceptibility to, 1 (MHS1). Also called: Malignant hyperthermia suceptibility 1; RYR1-Related Malignant Hyperthermia Susceptibility; Anesthesia related hyperthermia; Malignant hyperpyrexia; Fulminating hyperpyrexia; Pharmacogenic myopathy. Identifiers: Orphanet 423, MedGen C2930980, MONDO:0007783, OMIM 145600.
RYR1-related disorder. Also called: RYR1-related condition; RYR1-related disorders. Identifiers: MedGen CN239331.

Allele frequency attached by ClinVar (database versions not stated): gnomAD exomes below 0.00001; gnomAD 0.00001; TOPMed 0.00001.
gnomAD v4.1: 7 of 1,614,082 alleles (0.00043%); highest among the groups gnomAD compares: Admixed American, 0.0033%; no homozygotes.

Submissions (3):

All of Us Research Program, National Institutes of Health
Classification: Uncertain significance for Malignant hyperthermia, susceptibility to, 1. Last evaluated: 2024-05-14. Review status: criteria provided, single submitter. Criteria: ACMG Guidelines, 2015. Collection method: clinical testing. Allele origin: germline. Inheritance: Autosomal dominant inheritance. Observed: 1 variant allele, 1 heterozygote.
Comment: This missense variant replaces glutamic acid with lysine at codon 3454 of the RYR1 protein. Computational prediction suggests that this variant may have deleterious impact on protein structure and function (internally defined REVEL score threshold >= 0.7, PMID: 27666373). To our knowledge, functional studies have not been reported for this variant. This variant has not been reported in individuals affected with RYR1-related disorders in the literature. This variant has been identified in 2/282876 chromosomes in the general population by the Genome Aggregation Database (gnomAD). The available evidence is insufficient to determine the role of this variant in disease conclusively. Therefore, this variant is classified as a Variant of Uncertain Significance.

This study involves interpretation of variants in research participants for the purpose of population health screening. Participant phenotype was not available at the time of variant classification. Additional details can be found in publication PMID: 35346344, PMCID: PMC8962531

Labcorp Genetics (formerly Invitae), Labcorp
Classification: Uncertain significance for RYR1-related disorder. Last evaluated: 2022-07-18. Review status: criteria provided, single submitter. Criteria: Invitae Variant Classification Sherloc (09022015). Collection method: clinical testing. Allele origin: germline.
Comment: This sequence change replaces glutamic acid, which is acidic and polar, with lysine, which is basic and polar, at codon 3454 of the RYR1 protein (p.Glu3454Lys). This variant is present in population databases (no rsID available, gnomAD 0.006%). This variant has not been reported in the literature in individuals affected with RYR1-related conditions. ClinVar contains an entry for this variant (Variation ID: 660757). Algorithms developed to predict the effect of missense changes on protein structure and function (SIFT, PolyPhen-2, Align-GVGD) all suggest that this variant is likely to be tolerated. In summary, the available evidence is currently insufficient to determine the role of this variant in disease. Therefore, it has been classified as a Variant of Uncertain Significance.

Revvity Omics, Revvity
Classification: Uncertain significance. Last evaluated: 2019-12-26. Review status: criteria provided, single submitter. Criteria: ACMG Guidelines, 2015. Collection method: clinical testing. Allele origin: germline.

NM_000540.3(RYR1):c.10360G>A (p.Glu3454Lys)

Gene: RYR1 (ryanodine receptor 1; plus strand). Cytogenetic location: 19q13.2.
Variant type: single nucleotide variant.
Coding change: c.10360G>A on transcript NM_000540.3 (MANE Select); coding-DNA position 10360, G replaced by A.
Protein change: p.Glu3454Lys; replaces glutamic acid 3454 with lysine.
Molecular consequence: missense variant.
Genome position (GRCh38, 1-based): chr19:38,523,229, G>A. VCF-style: chr19-38523229-G-A. GRCh37 (hg19) VCF-style: chr19-39013869-G-A.
Other names: c.10360G>A, p.Glu3454Lys (NM_001042723.2); short protein forms E3454K.
Identifiers: ClinVar variation 660757 (VCV000660757.9), dbSNP rs1446961656, ClinGen allele CA405699375.